The following is an entry in ClinVar:

NM_012464.5(TLL1):c.991C>T (p.Arg331Cys)

Genes: TLL1 (tolloid like 1; plus strand), LOC123493235 (Sharpr-MPRA regulatory region 2915; plus strand). Cytogenetic location: 4q32.3.
Variant type: single nucleotide variant.
Coding change: c.991C>T on transcript NM_012464.5 (MANE Select); coding-DNA position 991, C replaced by T.
Protein change: p.Arg331Cys; replaces arginine 331 with cysteine.
Molecular consequence: missense variant.
Genome position (GRCh38, 1-based): chr4:166,014,509, C>T. VCF-style: chr4-166014509-C-T. GRCh37 (hg19) VCF-style: chr4-166935661-C-T.
Other names: c.991C>T, p.Arg331Cys (NM_001204760.2); short protein forms R331C.
Identifiers: ClinVar variation 2287027 (VCV002287027.8), dbSNP rs757762634, ClinGen allele CA3130749.

ClinVar aggregate classification (germline): Conflicting classifications of pathogenicity. Review status: criteria provided, conflicting classifications (1 of 4 stars). 3 submissions from 3 submitters: Uncertain significance (2); Likely benign (1). Last evaluated 2026-03-01.

Conditions:
TLL1-related disorder. Also called: TLL1-related condition.

Allele frequency attached by ClinVar (database versions not stated): ExAC 0.00001; gnomAD 0.00001; gnomAD exomes 0.00001; TOPMed 0.00002.
gnomAD v4.1: 25 of 1,612,198 alleles (0.0016%); highest among the groups gnomAD compares: Admixed American, 0.0033%; no homozygotes.

Submissions (3):

CeGaT Center for Human Genetics Tuebingen
Classification: Likely benign. Last evaluated: 2026-03-01. Review status: criteria provided, single submitter. Criteria: CeGaT Center For Human Genetics Tuebingen Variant Classification Criteria Version 2. Collection method: clinical testing. Allele origin: germline. Affected: yes. Observed: 1 variant allele.
Comment: TLL1: BS2

Ambry Genetics
Classification: Uncertain significance. Last evaluated: 2025-01-18. Review status: criteria provided, single submitter. Criteria: Ambry Variant Classification Scheme 2023. Collection method: clinical testing. Allele origin: germline.

PreventionGenetics, part of Exact Sciences
Classification: Uncertain significance for TLL1-related condition. Last evaluated: 2022-09-07. Review status: criteria provided, single submitter. Criteria: ACMG Guidelines, 2015. Collection method: clinical testing. Allele origin: germline.
Comment: The TLL1 c.991C>T variant is predicted to result in the amino acid substitution p.Arg331Cys. To our knowledge, this variant has not been reported in the literature. This variant is reported in 0.0065% of alleles in individuals of South Asian descent in gnomAD. At this time, the clinical significance of this variant is uncertain due to the absence of conclusive functional and genetic evidence.